The following is an entry in ClinVar:

NM_003906.5(MCM3AP):c.2524C>G (p.Gln842Glu)

Gene: MCM3AP (minichromosome maintenance complex component 3 associated protein; minus strand). Cytogenetic location: 21q22.3.
Variant type: single nucleotide variant.
Coding change: c.2524C>G on transcript NM_003906.5 (MANE Select); coding-DNA position 2524, C replaced by G.
Protein change: p.Gln842Glu; replaces glutamine 842 with glutamic acid.
Molecular consequence: missense variant.
Genome position (GRCh38, 1-based): chr21:46,270,505, G>C on the plus strand (C>G on the coding strand, the complement: MCM3AP is on the minus strand). VCF-style: chr21-46270505-G-C. GRCh37 (hg19) VCF-style: chr21-47690419-G-C.
Other names: short protein forms Q842E.
Identifiers: ClinVar variation 2180230 (VCV002180230.2), dbSNP rs199529702, ClinGen allele CA10076804.

ClinVar aggregate classification (germline): Uncertain significance (1 of 4 stars; one submission).

Allele frequency attached by ClinVar (database versions not stated): gnomAD exomes 0.00002; TOPMed 0.00002; ExAC 0.00003; gnomAD 0.00004; 1000 Genomes Project 30x 0.00016; 1000 Genomes Project 0.00020.
gnomAD v4.1: 36 of 1,613,814 alleles (0.0022%); highest among the groups gnomAD compares: East Asian, 0.067%; no homozygotes.

Submission:

Labcorp Genetics (formerly Invitae), Labcorp
Classification: Uncertain significance. Last evaluated: 2022-02-27. Review status: criteria provided, single submitter. Criteria: Invitae Variant Classification Sherloc (09022015). Collection method: clinical testing. Allele origin: germline.
Comment: In summary, the available evidence is currently insufficient to determine the role of this variant in disease. Therefore, it has been classified as a Variant of Uncertain Significance. Algorithms developed to predict the effect of missense changes on protein structure and function (SIFT, PolyPhen-2, Align-GVGD) all suggest that this variant is likely to be disruptive. This variant has not been reported in the literature in individuals affected with MCM3AP-related conditions. This variant is present in population databases (rs199529702, gnomAD 0.05%). This sequence change replaces glutamine, which is neutral and polar, with glutamic acid, which is acidic and polar, at codon 842 of the MCM3AP protein (p.Gln842Glu).